The following is an entry in ClinVar:

NM_002397.5(MEF2C):c.553G>A (p.Gly185Ser)

Gene: MEF2C (myocyte enhancer factor 2C; minus strand). Cytogenetic location: 5q14.3.
Variant type: single nucleotide variant.
Coding change: c.553G>A on transcript NM_002397.5 (MANE Select); coding-DNA position 553, G replaced by A.
Protein change: p.Gly185Ser; replaces glycine 185 with serine.
Molecular consequence: missense variant.
Genome position (GRCh38, 1-based): chr5:88,751,893, C>T on the plus strand (G>A on the coding strand, the complement: MEF2C is on the minus strand). VCF-style: chr5-88751893-C-T. GRCh37 (hg19) VCF-style: chr5-88047710-C-T.
Other names: c.547G>A, p.Gly183Ser (NM_001131005.2, NM_001364343.2, NM_001364352.2); c.607G>A, p.Gly203Ser (NM_001193347.1, NM_001364338.2); c.409G>A, p.Gly137Ser (NM_001193348.1, NM_001193349.3, NM_001364332.2 and 3 more transcripts); c.553G>A, p.Gly185Ser (NM_001193350.2, NM_001308002.3, NM_001363581.2 and 18 more transcripts); c.127G>A, p.Gly43Ser (NM_001364357.2); c.175G>A, p.Gly59Ser (NM_001364353.2, NM_001364356.2); short protein forms G59S, G183S, G137S, G185S, G203S, G43S.
Identifiers: ClinVar variation 1748191 (VCV001748191.4), dbSNP rs2152524693, ClinGen allele CA360423731.

ClinVar aggregate classification (germline): Uncertain significance. Review status: criteria provided, multiple submitters, no conflicts (2 of 4 stars). 2 submissions from 2 submitters: Uncertain significance (2). Last evaluated 2024-02-17.

Conditions:
Inborn genetic diseases. Identifiers: MedGen C0950123, MeSH D030342.
Neurodevelopmental disorder with hypotonia, stereotypic hand movements, and impaired language. Also called: Intellectual disability, autosomal dominant 20. Identifiers: Orphanet 228384, Orphanet 664410, MedGen C3150700, MONDO:0013266, OMIM 613443.

Submissions (2):

Labcorp Genetics (formerly Invitae), Labcorp
Classification: Uncertain significance for Neurodevelopmental disorder with hypotonia, stereotypic hand movements, and impaired language. Last evaluated: 2024-02-17. Review status: criteria provided, single submitter. Criteria: Invitae Variant Classification Sherloc (09022015). Collection method: clinical testing. Allele origin: germline.
Comment: This sequence change replaces glycine, which is neutral and non-polar, with serine, which is neutral and polar, at codon 185 of the MEF2C protein (p.Gly185Ser). This variant is not present in population databases (gnomAD no frequency). This variant has not been reported in the literature in individuals affected with MEF2C-related conditions. ClinVar contains an entry for this variant (Variation ID: 1748191). Advanced modeling of protein sequence and biophysical properties (such as structural, functional, and spatial information, amino acid conservation, physicochemical variation, residue mobility, and thermodynamic stability) has been performed at Invitae for this missense variant, however the output from this modeling did not meet the statistical confidence thresholds required to predict the impact of this variant on MEF2C protein function. In summary, the available evidence is currently insufficient to determine the role of this variant in disease. Therefore, it has been classified as a Variant of Uncertain Significance.

Ambry Genetics
Classification: Uncertain significance for Inborn genetic diseases. Last evaluated: 2019-12-30. Review status: criteria provided, single submitter. Criteria: Ambry Variant Classification Scheme 2023. Collection method: clinical testing. Allele origin: germline.
Comment: The p.G185S variant (also known as c.553G>A), located in coding exon 4 of the MEF2C gene, results from a G to A substitution at nucleotide position 553. The glycine at codon 185 is replaced by serine, an amino acid with similar properties. This amino acid position is highly conserved in available vertebrate species. In addition, this alteration is predicted to be deleterious by in silico analysis. Since supporting evidence is limited at this time, the clinical significance of this alteration remains unclear.